The following is an entry in ClinVar:

ClinVar aggregate classification (germline): Benign. Review status: criteria provided, multiple submitters, no conflicts (2 of 4 stars). 4 submissions from 3 submitters: Benign (4). Last evaluated 2025-12-30.

Conditions:
Diffuse nonepidermolytic palmoplantar keratoderma (NEPPK). Also called: Nonepidermolytic palmoplantar hyperkeratosis; Nonepidermolytic palmoplantar keratoderma. Identifiers: Orphanet 530838, MedGen C1833030, MONDO:0010962, OMIM 600962, HP:0007404.
Epidermolytic ichthyosis. Also called: Congenital bullous ichthyosiform erythroderma; Bullous ichthyosiform erythroderma; Epidermolytic Hyperkeratosis; KRT10-Related Epidermolytic Hyperkeratosis. Identifiers: Orphanet 312, MedGen C0079153, MONDO:0007239, HP:0007475.

Allele frequency attached by ClinVar (database versions not stated): gnomAD exomes 0.00271; ExAC 0.00339; gnomAD 0.01008 and 0.01096; TOPMed 0.01096; 1000 Genomes Project 0.01178; ESP Exome Variant Server 0.01215; 1000 Genomes Project 30x 0.01218.
gnomAD v4.1: 2,930 of 1,614,110 alleles (0.18%); highest among the groups gnomAD compares: African/African-American, 3.5%; 51 homozygotes.

Submissions (4):

Labcorp Genetics (formerly Invitae), Labcorp
Classification: Benign. Last evaluated: 2025-12-30. Review status: criteria provided, single submitter. Criteria: Invitae Variant Classification Sherloc (09022015). Collection method: clinical testing. Allele origin: germline.

Illumina Laboratory Services, Illumina
Classification: Benign for Epidermolytic hyperkeratosis 1. Last evaluated: 2018-01-12. Review status: criteria provided, single submitter. Criteria: ICSL Variant Classification Criteria 13 December 2019. Collection method: clinical testing. Allele origin: germline.
Comment: This variant was observed in the ICSL laboratory as part of a predisposition screen in an ostensibly healthy population. It had not been previously curated by ICSL or reported in the Human Gene Mutation Database (HGMD: prior to June 1st, 2018), and was therefore a candidate for classification through an automated scoring system. Utilizing variant allele frequency, disease prevalence and penetrance estimates, and inheritance mode, an automated score was calculated to assess if this variant is too frequent to cause the disease. Based on the score and internal cut-off values, a variant classified as benign is not then subjected to further curation. The score for this variant resulted in a classification of benign for this disease.

Illumina Laboratory Services, Illumina
Classification: Benign for Diffuse nonepidermolytic palmoplantar keratoderma. Last evaluated: 2018-01-12. Review status: criteria provided, single submitter. Criteria: ICSL Variant Classification Criteria 13 December 2019. Collection method: clinical testing. Allele origin: germline.
Comment: the same text as in the submission from Illumina Laboratory Services, Illumina above.

Breakthrough Genomics
Classification: Benign. Review status: criteria provided, single submitter. Criteria: ACMG Guidelines, 2015. Collection method: not provided. Allele origin: germline. Inheritance: Autosomal dominant inheritance. Affected: yes.

NM_006121.4(KRT1):c.1506T>C (p.Ser502=)

Gene: KRT1 (keratin 1; minus strand). Cytogenetic location: 12q13.13.
Variant type: single nucleotide variant.
Coding change: c.1506T>C on transcript NM_006121.4 (MANE Select); coding-DNA position 1506, T replaced by C.
Protein change: p.Ser502=; no amino-acid change (serine 502 retained).
Molecular consequence: synonymous variant.
Genome position (GRCh38, 1-based): chr12:52,675,714, A>G on the plus strand (T>C on the coding strand, the complement: KRT1 is on the minus strand). VCF-style: chr12-52675714-A-G. GRCh37 (hg19) VCF-style: chr12-53069498-A-G.
Identifiers: ClinVar variation 309641 (VCV000309641.15), dbSNP rs34154891, ClinGen allele CA6586137.